The following is an entry in ClinVar:

ClinVar aggregate classification (germline): Uncertain significance (1 of 4 stars; one submission).

Allele frequency attached by ClinVar (database versions not stated): gnomAD 0.00001; gnomAD exomes below 0.00001; TOPMed 0.00002.
gnomAD v4.1: 5 of 1,532,828 alleles (0.00033%); highest among the groups gnomAD compares: Non-Finnish European, 0.00044%; no homozygotes.

Submission:

GeneDx
Classification: Uncertain significance. Last evaluated: 2016-11-29. Review status: criteria provided, single submitter. Criteria: GeneDx Variant Classification (06012015). Collection method: clinical testing. Allele origin: germline. Affected: yes.
Comment: The R3Q variant, present in an alternate transcript of the TCF4 gene, has not been reported previously as a pathogenic variant, nor as a benign variant, to our knowledge. Sufficient data from control individuals in the NHLBI Exome Sequencing Project and Exome Aggregation Consortium data sets were not available to assess whether the R3Q variant may be a common benign variant in the general population. The R3Q variant is a semi-conservative amino acid substitution, which may impact secondary protein structure as these residues differ in some properties. However, this substitution occurs at a position that is not conserved and in silico analysis is inconsistent in its predictions as to whether or not the variant is damaging to the protein structure/function. We interpret R3Q as a variant of uncertain significance.

NM_001083962.1(TCF4):c.-511G>A

Gene: TCF4 (transcription factor 4; minus strand). Cytogenetic location: 18q21.2.
Variant type: single nucleotide variant.
Coding change: c.-511G>A on transcript NM_001083962.1; 511 bases upstream of the start codon, G replaced by A.
Molecular consequence: missense variant (on NM_001243230.2). On other transcripts: 5 prime UTR variant (3), intron variant (10).
Genome position (GRCh38, 1-based): chr18:55,588,528, C>T on the plus strand (G>A on the coding strand, the complement: TCF4 is on the minus strand). VCF-style: chr18-55588528-C-T. GRCh37 (hg19) VCF-style: chr18-53255759-C-T.
Other names: c.8G>A, p.Arg3Gln (NM_001243230.2); c.-79G>A (NM_001369568.1, NM_001369569.1, NM_001369572.1); c.287-1392G>A (NM_001243226.3); c.-1+769G>A (NM_001369584.1, NM_001369576.1, NM_001369577.1 and 3 more transcripts); c.-21+769G>A (NM_001369571.1, NM_001369567.1, NM_001243228.2); short protein forms R3Q.
Identifiers: ClinVar variation 373202 (VCV000373202.3), dbSNP rs1057518280, ClinGen allele CA16043154.
Genomic context (GRCh38, chr18:55,588,528, plus strand): 5'-ACCTCATTTTTCCTCAGATCGTCAGTTACAATCTGAAGCCTGAACAGTTCAGTTTTTGCC[C>T]GTTGCATCCCTCGGAGGCACTTTGAAATTTATTCGAGTTTACATCCCCTCACTTCTTTCT-3'